The following is an entry in ClinVar:

ClinVar aggregate classification (germline): Uncertain significance. Review status: criteria provided, multiple submitters, no conflicts (2 of 4 stars). 2 submissions from 2 submitters: Uncertain significance (2). Last evaluated 2023-10-06.

Conditions:
Primary ciliary dyskinesia 33. Also called: CILIARY DYSKINESIA, PRIMARY, 33, WITHOUT SITUS INVERSUS. Identifiers: Orphanet 244, MedGen C4225230, MONDO:0014750, OMIM 616726.

gnomAD v4.1: 3 of 1,415,442 alleles (0.00021%); highest among the groups gnomAD compares: Non-Finnish European, 0.00028%; no homozygotes.

Submissions (2):

Blueprint Genetics
Classification: Uncertain significance. Last evaluated: 2023-10-06. Review status: criteria provided, single submitter. Criteria: ACMG Guidelines, 2015. Collection method: clinical testing. Allele origin: germline.

Labcorp Genetics (formerly Invitae), Labcorp
Classification: Uncertain significance for Primary ciliary dyskinesia 33. Last evaluated: 2021-10-22. Review status: criteria provided, single submitter. Criteria: Invitae Variant Classification Sherloc (09022015). Collection method: clinical testing. Allele origin: germline.
Comment: This sequence change affects the initiator methionine of the GAS8 mRNA. The next in-frame methionine is located at codon 26. The frequency data for this variant in the population databases is considered unreliable, as metrics indicate insufficient coverage at this position in the ExAC database. This variant has not been reported in the literature in individuals affected with GAS8-related conditions. Experimental studies and prediction algorithms are not available or were not evaluated, and the functional significance of this variant is currently unknown. In summary, the available evidence is currently insufficient to determine the role of this variant in disease. Therefore, it has been classified as a Variant of Uncertain Significance.

NM_001481.3(DRC4):c.1A>G (p.Met1Val)

Gene: DRC4 (dynein regulatory complex subunit 4; plus strand). Cytogenetic location: 16q24.3.
Variant type: single nucleotide variant.
Coding change: c.1A>G on transcript NM_001481.3 (MANE Select); coding-DNA position 1, A replaced by G.
Protein change: p.Met1Val; changes the start codon (methionine 1).
Molecular consequence: missense variant, initiator codon variant. On other transcripts: 5 prime UTR variant (2), intron variant (1).
Genome position (GRCh38, 1-based): chr16:90,022,722, A>G. VCF-style: chr16-90022722-A-G. GRCh37 (hg19) VCF-style: chr16-90089130-A-G.
Other names: c.-372A>G (NM_001286205.2); c.-644A>G (NM_001286208.2); c.-73+2954A>G (NM_001286209.2); short protein forms M1V.
Identifiers: ClinVar variation 1503368 (VCV001503368.4), dbSNP rs1057484078, ClinGen allele CA397457763.